The following is an entry in ClinVar:

ClinVar aggregate classification (germline): Likely pathogenic (1 of 4 stars; one submission).

Conditions:
Polycystic kidney disease 4 (PKD4). Also called: POLYCYSTIC KIDNEY AND HEPATIC DISEASE 1; POLYCYSTIC KIDNEY DISEASE, INFANTILE, TYPE I; POLYCYSTIC KIDNEY DISEASE 4 WITH OR WITHOUT POLYCYSTIC LIVER DISEASE; PKD3; Autosomal Recessive Polycystic Kidney Disease – PKHD1. Identifiers: MedGen C4540575, MONDO:0033004, OMIM 263200.

Submission:

Myriad Genetics, Inc.
Classification: Likely pathogenic for Polycystic kidney disease 4. Last evaluated: 2021-11-22. Review status: criteria provided, single submitter. Criteria: Myriad Women's Health Autosomal Recessive and X-Linked Classification Criteria (2021). Collection method: clinical testing. Allele origin: unknown.
Comment: NM_138694.3(PKHD1):c.5965dupC(L1989Pfs*4) is expected to be pathogenic in the context of autosomal recessive polycystic kidney disease, PKHD1-related. This variant is predicted to lead to an abnormal or absent protein product due to the creation of a premature termination codon in PKHD1, a gene where loss-of-function variants are known to be pathogenic. Please note: this variant was assessed in the context of healthy population screening.

NM_138694.4(PKHD1):c.5965dup (p.Leu1989fs)

Gene: PKHD1 (PKHD1 ciliary IPT domain containing fibrocystin/polyductin; minus strand). Cytogenetic location: 6p12.2.
Variant type: Duplication.
Coding change: c.5965dup on transcript NM_138694.4 (MANE Select); coding-DNA position 5965, one base duplicated (C; older notation c.5965dupC).
Protein change: p.Leu1989fs; shifts the reading frame from leucine 1989.
Molecular consequence: frameshift variant.
Genome position (GRCh38, 1-based): chr6:51,934,266, G duplicated on the plus strand (C on the coding strand, the reverse complement: PKHD1 is on the minus strand); the first of 2 consecutive G bases (chr6:51,934,266-51,934,267); duplicating either gives the same sequence. VCF-style (leftmost placement, unchanged base first): chr6-51934265-A-AG. GRCh37 (hg19) VCF-style: chr6-51799063-A-AG.
Other names: c.5965dup, p.Leu1989fs (NM_170724.3); short protein forms L1989fs.
Identifiers: ClinVar variation 1724813 (VCV001724813.2), dbSNP rs2537014883, ClinGen allele CA2580075448.